The following is an entry in ClinVar:

NM_001360016.2(G6PD):c.827C>T (p.Pro276Leu)

Gene: G6PD (glucose-6-phosphate dehydrogenase; minus strand). Cytogenetic location: Xq28.
Variant type: single nucleotide variant.
Coding change: c.827C>T on transcript NM_001360016.2 (MANE Select); coding-DNA position 827, C replaced by T.
Protein change: p.Pro276Leu; replaces proline 276 with leucine.
Molecular consequence: missense variant.
Genome position (GRCh38, 1-based): chrX:154,533,613, G>A on the plus strand (C>T on the coding strand, the complement: G6PD is on the minus strand). VCF-style: chrX-154533613-G-A. GRCh37 (hg19) VCF-style: chrX-153761828-G-A.
Other names: G6PD Hamburg; c.917C>T, p.Pro306Leu (NM_000402.4); c.827C>T, p.Pro276Leu (NM_001042351.3); short protein forms P276L, P306L.
Identifiers: ClinVar variation 1722663 (VCV001722663.2), dbSNP rs2523265489, ClinGen allele CA415235192.

ClinVar aggregate classification (germline): Pathogenic (1 of 4 stars; one submission).

Conditions:
Anemia, nonspherocytic hemolytic, due to G6PD deficiency (CNSHA1). Also called: Hemolytic anemia due to G6PD deficiency; Class I glucose-6-phosphate dehydrogenase deficiency; Favism, susceptibility to; ANEMIA, CONGENITAL, NONSPHEROCYTIC HEMOLYTIC, 1. Identifiers: Orphanet 466026, MedGen C2720289, MONDO:0010480, OMIM 300908.

Submission:

Dunham Lab, University of Washington
Classification: Pathogenic for Anemia, nonspherocytic hemolytic, due to G6PD deficiency. Last evaluated: 2022-08-12. Review status: criteria provided, single submitter. Criteria: Bayesian ACMG Guidelines, 2018. Collection method: curation. Allele origin: maternal. Affected: yes.
Comment: Variant found in hemizygotes with deficiency and CNSHA (PP4). Decreased activity in red blood cells (0-23%) (PS3). Not found in gnomAD (PM2). Post_P 0.994 (odds of pathogenicity 1517, Prior_P 0.1).

Literature cited by the submitters: PubMed 4838696; PubMed 20052779; PubMed 26693676.